The following is an entry in ClinVar:

NM_001082486.2(ACD):c.1231G>C (p.Gly411Arg)

Gene: ACD (ACD shelterin complex subunit and telomerase recruitment factor; minus strand). Cytogenetic location: 16q22.1.
Variant type: single nucleotide variant.
Coding change: c.1231G>C on transcript NM_001082486.2 (MANE Select); coding-DNA position 1231, G replaced by C.
Protein change: p.Gly411Arg; replaces glycine 411 with arginine.
Molecular consequence: missense variant.
Genome position (GRCh38, 1-based): chr16:67,657,829, C>G on the plus strand (G>C on the coding strand, the complement: ACD is on the minus strand). VCF-style: chr16-67657829-C-G. GRCh37 (hg19) VCF-style: chr16-67691732-C-G.
Other names: c.1144G>C, p.Gly382Arg (NM_001410884.1); c.1222G>C, p.Gly408Arg (NM_022914.3); short protein forms G382R, G408R, G411R.
Identifiers: ClinVar variation 1773736 (VCV001773736.4), dbSNP rs2052901393, ClinGen allele CA396349998.
Genomic context (GRCh38, chr16:67,657,829, plus strand): 5'-CTTGGACCCGAGCACAGAGGGACGTGCAGGGTGGCTCATACTCATACTGGAAGGCAGAAC[C>G]ATCACGATGCCTCTTTGGGGGTTCCTGAAAGGGGTATGGTGTCTGGGGAAGAGCTAACAA-3'
Protein context (NP_001075955.2, residues 401-421): VWEPPKRHRD[Gly411Arg]SAFQYEYEPP

ClinVar aggregate classification (germline): Uncertain significance. Review status: criteria provided, multiple submitters, no conflicts (2 of 4 stars). 2 submissions from 2 submitters: Uncertain significance (2). Last evaluated 2025-03-04.

Conditions:
Inborn genetic diseases. Identifiers: MedGen C0950123, MeSH D030342.

Allele frequency attached by ClinVar (database versions not stated): gnomAD 0.00001.
gnomAD v4.1: 3 of 1,614,000 alleles (0.00019%); highest among the groups gnomAD compares: Non-Finnish European, 0.00017%; no homozygotes.

Submissions (2):

Center for Genomic Medicine, Rigshospitalet, Copenhagen University Hospital
Classification: Uncertain significance. Last evaluated: 2025-03-04. Review status: criteria provided, single submitter. Criteria: ACMG Guidelines, 2015. Collection method: clinical testing. Allele origin: germline.

Ambry Genetics
Classification: Uncertain significance for Inborn genetic diseases. Last evaluated: 2021-11-04. Review status: criteria provided, single submitter. Criteria: Ambry Variant Classification Scheme 2023. Collection method: clinical testing. Allele origin: germline.
Comment: The p.G497R variant (also known as c.1489G>C), located in coding exon 11 of the ACD gene, results from a G to C substitution at nucleotide position 1489. The glycine at codon 497 is replaced by arginine, an amino acid with dissimilar properties. This amino acid position is conserved. In addition, this alteration is predicted to be tolerated by in silico analysis. Since supporting evidence is limited at this time, the clinical significance of this alteration remains unclear.